The following is an entry in ClinVar:

NM_001371623.1(TCOF1):c.41T>G (p.Ile14Ser)

Genes: TCOF1 (treacle ribosome biogenesis factor 1; plus strand), LOC129994985 (ATAC-STARR-seq lymphoblastoid silent region 16507; plus strand). Cytogenetic location: 5q32.
Variant type: single nucleotide variant.
Coding change: c.41T>G on transcript NM_001371623.1 (MANE Select); coding-DNA position 41, T replaced by G.
Protein change: p.Ile14Ser; replaces isoleucine 14 with serine.
Molecular consequence: missense variant.
Genome position (GRCh38, 1-based): chr5:150,357,787, T>G. VCF-style: chr5-150357787-T-G. GRCh37 (hg19) VCF-style: chr5-149737350-T-G.
Other names: c.41T>G, p.Ile14Ser (NM_000356.4, NM_001008657.3, NM_001135243.2 and 3 more transcripts); short protein forms I14S.
Identifiers: ClinVar variation 2444278 (VCV002444278.1), dbSNP rs2532518169, ClinGen allele CA361725821.
Genomic context (GRCh38, chr5:150,357,787, plus strand): 5'-GCCGGCCGGGGGTCGCGGGTATGGCCGAGGCCAGGAAGCGGCGGGAGCTACTTCCCCTGA[T>G]CTACCACCATCTGCTGCGGGCTGGCTATGTGCGTGCGGCGCGGGAAGTGAAGGAGCAGAG-3'
Protein context (NP_001358552.1, residues 4-24): ARKRRELLPL[Ile14Ser]YHHLLRAGYV

ClinVar aggregate classification (germline): Uncertain significance (1 of 4 stars; one submission).

Conditions:
Treacher Collins syndrome 1 (TCS1). Also called: TCOF1-Related Treacher Collins Syndrome. Identifiers: Orphanet 861, MedGen CN315775, MONDO:0007944, OMIM 154500.

Submission:

3billion
Classification: Uncertain significance for Treacher Collins syndrome 1. Last evaluated: 2023-02-23. Review status: criteria provided, single submitter. Criteria: ACMG Guidelines, 2015. Collection method: clinical testing. Allele origin: unknown. Affected: yes.
Comment: The variant is not observed in the gnomAD v2.1.1 dataset. In silico tool predictions suggest damaging effect of the variant on gene or gene product (REVEL: 0.67; 3Cnet: 0.61). Different missense changes at the same codon (p.Ile14Met, p.Ile14Phe) have been reported to be associated with TCOF1 related disorder (PMID: 15150774, 22317976). However, the evidence of pathogenicity is insufficient at this time. Therefore, this variant is classified as VUS according to the recommendation of ACMG/AMP guideline.

Literature cited by the submitters: PubMed 22317976; PubMed 15150774.